The following is an entry in ClinVar:

ClinVar aggregate classification (germline): Uncertain significance (1 of 4 stars; one submission).

Conditions:
Inborn genetic diseases. Identifiers: MedGen C0950123, MeSH D030342.

Allele frequency attached by ClinVar (database versions not stated): gnomAD 0.00001.
gnomAD v4.1: 2 of 1,216,678 alleles (0.00016%); highest among the groups gnomAD compares: Non-Finnish European, 0.0002%; no homozygotes.

Submission:

Ambry Genetics
Classification: Uncertain significance for Inborn genetic diseases. Last evaluated: 2019-12-03. Review status: criteria provided, single submitter. Criteria: Ambry Variant Classification Scheme 2023. Collection method: clinical testing. Allele origin: germline.
Comment: The p.H333Q variant (also known as c.999C>G), located in coding exon 5 of the PRDM12 gene, results from a C to G substitution at nucleotide position 999. The histidine at codon 333 is replaced by glutamine, an amino acid with highly similar properties. This amino acid position is not well conserved in available vertebrate species. In addition, this alteration is predicted to be tolerated by in silico analysis. Since supporting evidence is limited at this time, the clinical significance of this alteration remains unclear.

NM_021619.3(PRDM12):c.999C>G (p.His333Gln)

Gene: PRDM12 (PR/SET domain 12; plus strand). Cytogenetic location: 9q34.12.
Variant type: single nucleotide variant.
Coding change: c.999C>G on transcript NM_021619.3 (MANE Select); coding-DNA position 999, C replaced by G.
Protein change: p.His333Gln; replaces histidine 333 with glutamine.
Molecular consequence: missense variant.
Genome position (GRCh38, 1-based): chr9:130,681,564, C>G. VCF-style: chr9-130681564-C-G. GRCh37 (hg19) VCF-style: chr9-133556951-C-G.
Other names: short protein forms H333Q.
Identifiers: ClinVar variation 1768848 (VCV001768848.2), dbSNP rs1453242370, ClinGen allele CA375245147.